The following is an entry in ClinVar:

NM_007294.4(BRCA1):c.670+413A>G

Gene: BRCA1 (BRCA1 DNA repair associated; minus strand). Cytogenetic location: 17q21.31.
Variant type: single nucleotide variant.
Coding change: c.670+413A>G on transcript NM_007294.4 (MANE Select); 413 bases into the intron after coding-DNA position 670, A replaced by G.
Molecular consequence: intron variant.
Genome position (GRCh38, 1-based): chr17:43,095,433, T>C on the plus strand (A>G on the coding strand, the complement: BRCA1 is on the minus strand). VCF-style: chr17-43095433-T-C. GRCh37 (hg19) VCF-style: chr17-41247450-T-C.
Other names: c.529+413A>G (NM_001408458.1, NM_001408469.1, NM_001408453.1 and 43 more transcripts); c.-218-573A>G (NM_001407967.1, NM_001407966.1); c.289+413A>G (NM_001407959.1, NM_001408510.1, NM_001407963.1 and 1 more transcripts); c.404-573A>G (NM_001407931.1, NM_001407932.1, NM_001408503.1 and 5 more transcripts); c.526+413A>G (NM_001407747.1, NM_001408470.1, NM_001407848.1 and 26 more transcripts); c.286+413A>G (NM_001407962.1); c.167-573A>G (NM_001408512.1, NM_001407965.1); c.460+413A>G (NM_001407885.1, NM_001407886.1, NM_001407881.1 and 27 more transcripts); and 17 more.
Identifiers: ClinVar variation 1755008 (VCV001755008.6), dbSNP rs2054090762, ClinGen allele CA2580094072.

ClinVar aggregate classification (germline): Uncertain significance. Review status: criteria provided, multiple submitters, no conflicts (2 of 4 stars). 2 submissions from 2 submitters: Uncertain significance (2). Last evaluated 2024-10-16.

Conditions:
Hereditary cancer-predisposing syndrome. Also called: Neoplastic Syndromes, Hereditary; Tumor predisposition; Hereditary Cancer Syndrome; Hereditary neoplastic syndrome. Identifiers: Orphanet 140162, MedGen C0027672, MeSH D009386, MONDO:0015356.
Hereditary breast ovarian cancer syndrome. Also called: Hereditary breast and ovarian cancer syndrome (HBOC); Hereditary breast and ovarian cancer; BRCA1- and BRCA2-Associated Hereditary Breast and Ovarian Cancer; Hereditary breast and ovarian cancer syndrome; Breast and ovarian cancer; Hereditary breast and/or ovarian cancer syndrome. Identifiers: Orphanet 145, MedGen C0677776, MeSH D061325, MONDO:0003582. Disease mechanism: loss of function.

Submissions (2):

Labcorp Genetics (formerly Invitae), Labcorp
Classification: Uncertain significance for Hereditary breast ovarian cancer syndrome. Last evaluated: 2024-10-16. Review status: criteria provided, single submitter. Criteria: Invitae Variant Classification Sherloc (09022015). Collection method: clinical testing. Allele origin: germline.
Comment: This sequence change falls in intron 9 of the BRCA1 gene. It does not directly change the encoded amino acid sequence of the BRCA1 protein. RNA analysis indicates that this variant induces altered splicing and may result in an absent or altered protein product. This variant is not present in population databases (gnomAD no frequency). This variant has not been reported in the literature in individuals affected with BRCA1-related conditions. ClinVar contains an entry for this variant (Variation ID: 1755008). Studies have shown that this variant results in retention of partial intron 9, and produces a non-functional protein and/or introduces a premature termination codon (internal data). In summary, the available evidence is currently insufficient to determine the role of this variant in disease. Therefore, it has been classified as a Variant of Uncertain Significance.

Ambry Genetics
Classification: Uncertain significance for Hereditary cancer-predisposing syndrome. Last evaluated: 2023-08-30. Review status: criteria provided, single submitter. Criteria: Ambry Variant Classification Scheme 2023. Collection method: clinical testing. Allele origin: germline.
Comment: The c.670+413A>G intronic variant results from an A to G substitution 413 nucleotides after coding exon 8 in the BRCA1 gene. This nucleotide position is well conserved in available vertebrate species. In silico splice site analysis predicts that this alteration may result in the creation or strengthening of a novel splice donor site; however, direct evidence is insufficient at this time (Ambry internal data). Since supporting evidence is limited at this time, the clinical significance of this alteration remains unclear.